The following is an entry in ClinVar:

ClinVar aggregate classification (germline): Uncertain significance. Review status: criteria provided, multiple submitters, no conflicts (2 of 4 stars). 2 submissions from 2 submitters: Uncertain significance (2). Last evaluated 2023-08-25.

Conditions:
Cardiovascular phenotype. Identifiers: MedGen CN230736.
RASopathy. Also called: Noonan spectrum disorder; rasopathies. Identifiers: Orphanet 536391, MedGen C5555857, MONDO:0021060.

gnomAD v4.1: 1 of 1,551,348 alleles (0.000064%); highest among the groups gnomAD compares: Non-Finnish European, 0.000087%; no homozygotes.

Submissions (2):

Labcorp Genetics (formerly Invitae), Labcorp
Classification: Uncertain significance for RASopathy. Last evaluated: 2023-08-25. Review status: criteria provided, single submitter. Criteria: Invitae Variant Classification Sherloc (09022015). Collection method: clinical testing. Allele origin: germline.
Comment: In summary, the available evidence is currently insufficient to determine the role of this variant in disease. Therefore, it has been classified as a Variant of Uncertain Significance. An algorithm developed to predict the effect of missense changes on protein structure and function (PolyPhen-2) suggests that this variant is likely to be disruptive. ClinVar contains an entry for this variant (Variation ID: 955821). This variant has not been reported in the literature in individuals affected with MAP2K2-related conditions. This variant is not present in population databases (gnomAD no frequency). This sequence change replaces proline, which is neutral and non-polar, with leucine, which is neutral and non-polar, at codon 329 of the MAP2K2 protein (p.Pro329Leu).

Ambry Genetics
Classification: Uncertain significance for Cardiovascular phenotype. Last evaluated: 2021-04-16. Review status: criteria provided, single submitter. Criteria: Ambry Variant Classification Scheme 2023. Collection method: clinical testing. Allele origin: germline.
Comment: The p.P329L variant (also known as c.986C>T), located in coding exon 9 of the MAP2K2 gene, results from a C to T substitution at nucleotide position 986. The proline at codon 329 is replaced by leucine, an amino acid with similar properties. This amino acid position is highly conserved in available vertebrate species. In addition, the in silico prediction for this alteration is inconclusive. Since supporting evidence is limited at this time, the clinical significance of this alteration remains unclear.

NM_030662.4(MAP2K2):c.986C>T (p.Pro329Leu)

Gene: MAP2K2 (mitogen-activated protein kinase kinase 2; minus strand). Cytogenetic location: 19p13.3.
Variant type: single nucleotide variant.
Coding change: c.986C>T on transcript NM_030662.4 (MANE Select); coding-DNA position 986, C replaced by T.
Protein change: p.Pro329Leu; replaces proline 329 with leucine.
Molecular consequence: missense variant.
Genome position (GRCh38, 1-based): chr19:4,095,448, G>A on the plus strand (C>T on the coding strand, the complement: MAP2K2 is on the minus strand). VCF-style: chr19-4095448-G-A. GRCh37 (hg19) VCF-style: chr19-4095446-G-A.
Other names: short protein forms P329L.
Identifiers: ClinVar variation 955821 (VCV000955821.11), dbSNP rs2040904724, ClinGen allele CA403383473.